The following is an entry in ClinVar:

NM_006231.4(POLE):c.1221C>T (p.Cys407=)

Gene: POLE (DNA polymerase epsilon, catalytic subunit; minus strand). Cytogenetic location: 12q24.33.
Variant type: single nucleotide variant.
Coding change: c.1221C>T on transcript NM_006231.4 (MANE Select); coding-DNA position 1221, C replaced by T.
Protein change: p.Cys407=; no amino-acid change (cysteine 407 retained).
Molecular consequence: synonymous variant.
Genome position (GRCh38, 1-based): chr12:132,675,403, G>A on the plus strand (C>T on the coding strand, the complement: POLE is on the minus strand). VCF-style: chr12-132675403-G-A. GRCh37 (hg19) VCF-style: chr12-133251989-G-A.
Other names: c.1221C>T (NM_006231.2).
Identifiers: ClinVar variation 1128011 (VCV001128011.11), dbSNP rs2043023127, ClinGen allele CA482849575.

ClinVar aggregate classification (germline): Benign/Likely benign. Review status: criteria provided, multiple submitters, no conflicts (2 of 4 stars). 3 submissions from 3 submitters: Benign (1); Likely benign (2). Last evaluated 2026-01-04.

Conditions:
Colorectal cancer, susceptibility to, 12 (CRCS12). Also called: COLORECTAL CANCER, SUSCEPTIBILITY TO, ON CHROMOSOME 12q24. Identifiers: Orphanet 220460, MedGen C3554460, MONDO:0014038, OMIM 615083.
Hereditary cancer-predisposing syndrome. Also called: Hereditary neoplastic syndrome; Hereditary Cancer Syndrome; Tumor predisposition; Neoplastic Syndromes, Hereditary. Identifiers: Orphanet 140162, MedGen C0027672, MeSH D009386, MONDO:0015356.

Submissions (3):

Labcorp Genetics (formerly Invitae), Labcorp
Classification: Likely benign. Last evaluated: 2026-01-04. Review status: criteria provided, single submitter. Criteria: Invitae Variant Classification Sherloc (09022015). Collection method: clinical testing. Allele origin: germline.

Ambry Genetics
Classification: Likely benign for Hereditary cancer-predisposing syndrome. Last evaluated: 2025-08-12. Review status: criteria provided, single submitter. Criteria: Ambry Variant Classification Scheme 2023. Collection method: clinical testing. Allele origin: germline.

Myriad Genetics, Inc.
Classification: Benign for Colorectal cancer, susceptibility to, 12. Last evaluated: 2025-02-10. Review status: criteria provided, single submitter. Criteria: Myriad Autosomal Dominant, Autosomal Recessive and X-Linked Classification Criteria (2023). Collection method: clinical testing. Allele origin: unknown.
Comment: This variant is considered benign. This variant is a silent/synonymous amino acid change and it is not expected to impact splicing.